The following is an entry in ClinVar:

NM_014956.5(CEP164):c.3664G>A (p.Asp1222Asn)

Gene: CEP164 (centrosomal protein 164; plus strand). Cytogenetic location: 11q23.3.
Variant type: single nucleotide variant.
Coding change: c.3664G>A on transcript NM_014956.5 (MANE Select); coding-DNA position 3664, G replaced by A.
Protein change: p.Asp1222Asn; replaces aspartic acid 1222 with asparagine.
Molecular consequence: missense variant.
Genome position (GRCh38, 1-based): chr11:117,408,944, G>A. VCF-style: chr11-117408944-G-A. GRCh37 (hg19) VCF-style: chr11-117279660-G-A.
Other names: c.3673G>A, p.Asp1225Asn (NM_001271933.2); c.3664G>A (NM_014956.4); short protein forms D1225N, D1222N.
Identifiers: ClinVar variation 2193571 (VCV002193571.4), dbSNP rs758393882, ClinGen allele CA6295530.
Genomic context (GRCh38, chr11:117,408,944, plus strand): 5'-CCACAGGCCTCAGATGAGGGCACTCTGGGAGGATCCCCCACCAAGAAGGCAGTAACCTTC[G>A]ACCTCAGTGACATGGACAGCCTGAGCAGTGAAAGTTCTGAATCTTTTTCCCCGCCTCACC-3'
Protein context (NP_055771.4, residues 1212-1232): GSPTKKAVTF[Asp1222Asn]LSDMDSLSSE

ClinVar aggregate classification (germline): Uncertain significance. Review status: criteria provided, multiple submitters, no conflicts (2 of 4 stars). 3 submissions from 3 submitters: Uncertain significance (2). 1 of the submissions does not count toward it. Last evaluated 2025-01-08.

Conditions:
Nephronophthisis 15 (NPHP15). Identifiers: Orphanet 3156, MedGen C3541853, MONDO:0013917, OMIM 614845.
CEP164-related disorder. Also called: CEP164-related condition.

Allele frequency attached by ClinVar (database versions not stated): TOPMed 0.00003; ExAC 0.00004.
gnomAD v4.1: 62 of 1,613,978 alleles (0.0038%); highest among the groups gnomAD compares: Middle Eastern, 0.15%; 1 homozygote.

Submissions (3):

Labcorp Genetics (formerly Invitae), Labcorp
Classification: Uncertain significance for Nephronophthisis 15. Last evaluated: 2025-01-08. Review status: criteria provided, single submitter. Criteria: Invitae Variant Classification Sherloc (09022015). Collection method: clinical testing. Allele origin: germline.
Comment: This sequence change replaces aspartic acid, which is acidic and polar, with asparagine, which is neutral and polar, at codon 1222 of the CEP164 protein (p.Asp1222Asn). This variant is present in population databases (rs758393882, gnomAD 0.01%). This variant has not been reported in the literature in individuals affected with CEP164-related conditions. ClinVar contains an entry for this variant (Variation ID: 2193571). Invitae Evidence Modeling of protein sequence and biophysical properties (such as structural, functional, and spatial information, amino acid conservation, physicochemical variation, residue mobility, and thermodynamic stability) has been performed for this missense variant. However, the output from this modeling did not meet the statistical confidence thresholds required to predict the impact of this variant on CEP164 protein function. In summary, the available evidence is currently insufficient to determine the role of this variant in disease. Therefore, it has been classified as a Variant of Uncertain Significance.

GeneDx
Classification: Uncertain significance. Last evaluated: 2022-11-03. Review status: criteria provided, single submitter. Criteria: GeneDx Variant Classification Process June 2021. Collection method: clinical testing. Allele origin: germline. Affected: yes.
Comment: In silico analysis supports that this missense variant has a deleterious effect on protein structure/function; Has not been previously published as pathogenic or benign to our knowledge

PreventionGenetics, part of Exact Sciences
Classification: Uncertain significance for CEP164-related condition. Last evaluated: 2024-09-24. Review status: no assertion criteria provided. Collection method: clinical testing. Allele origin: germline. Not counted in ClinVar's aggregate classification.
Comment: The CEP164 c.3664G>A variant is predicted to result in the amino acid substitution p.Asp1222Asn. To our knowledge, this variant has not been reported in the literature. This variant is reported in 0.0065% of alleles in individuals of South Asian descent in gnomAD. At this time, the clinical significance of this variant is uncertain due to the absence of conclusive functional and genetic evidence.